The following is an entry in ClinVar:

NM_025257.3(SLC44A4):c.1649A>C (p.Lys550Thr)

Gene: SLC44A4 (solute carrier family 44 member 4; minus strand). Cytogenetic location: 6p21.33.
Variant type: single nucleotide variant.
Coding change: c.1649A>C on transcript NM_025257.3 (MANE Select); coding-DNA position 1649, A replaced by C.
Protein change: p.Lys550Thr; replaces lysine 550 with threonine.
Molecular consequence: missense variant.
Genome position (GRCh38, 1-based): chr6:31,865,535, T>G on the plus strand (A>C on the coding strand, the complement: SLC44A4 is on the minus strand). VCF-style: chr6-31865535-T-G. GRCh37 (hg19) VCF-style: chr6-31833312-T-G.
Other names: c.1523A>C, p.Lys508Thr (NM_001178044.2); c.1421A>C, p.Lys474Thr (NM_001178045.2); short protein forms K550T, K508T, K474T.
Identifiers: ClinVar variation 1427853 (VCV001427853.8), dbSNP rs763191640, ClinGen allele CA3725344.

ClinVar aggregate classification (germline): Uncertain significance (1 of 4 stars; one submission).

Allele frequency attached by ClinVar (database versions not stated): TOPMed below 0.00001; gnomAD exomes 0.00001; ExAC 0.00002.
gnomAD v4.1: 3 of 1,599,660 alleles (0.00019%); highest among the groups gnomAD compares: Admixed American, 0.0051%; no homozygotes.

Submission:

Labcorp Genetics (formerly Invitae), Labcorp
Classification: Uncertain significance. Last evaluated: 2022-02-24. Review status: criteria provided, single submitter. Criteria: Invitae Variant Classification Sherloc (09022015). Collection method: clinical testing. Allele origin: germline.
Comment: In summary, the available evidence is currently insufficient to determine the role of this variant in disease. Therefore, it has been classified as a Variant of Uncertain Significance. Algorithms developed to predict the effect of missense changes on protein structure and function are either unavailable or do not agree on the potential impact of this missense change (SIFT: "Not Available"; PolyPhen-2: "Probably Damaging"; Align-GVGD: "Not Available"). This variant has not been reported in the literature in individuals affected with SLC44A4-related conditions. This variant is present in population databases (rs763191640, gnomAD 0.006%). This sequence change replaces lysine, which is basic and polar, with threonine, which is neutral and polar, at codon 550 of the SLC44A4 protein (p.Lys550Thr).